The following is an entry in ClinVar:

ClinVar aggregate classification (germline): Conflicting classifications of pathogenicity. Review status: criteria provided, conflicting classifications (1 of 4 stars). 4 submissions from 4 submitters: Pathogenic (1); Likely pathogenic (2); Uncertain significance (1). Last evaluated 2026-01-09.

Conditions:
Anemia, nonspherocytic hemolytic, due to G6PD deficiency (CNSHA1). Also called: Hemolytic anemia due to G6PD deficiency; Favism, susceptibility to; Class I glucose-6-phosphate dehydrogenase deficiency; ANEMIA, CONGENITAL, NONSPHEROCYTIC HEMOLYTIC, 1. Identifiers: Orphanet 466026, MedGen C2720289, MONDO:0010480, OMIM 300908.
Malaria, susceptibility to. Identifiers: Orphanet 673, MedGen C1970028, MONDO:0021024, OMIM 611162.

Allele frequency attached by ClinVar (database versions not stated): TOPMed below 0.00001; ExAC 0.00001; gnomAD exomes 0.00001.
gnomAD v4.1: 17 of 1,211,758 alleles (0.0014%); highest among the groups gnomAD compares: Non-Finnish European, 0.001%; no homozygotes.

Submissions (4):

Foundation for Research in Genetics and Endocrinology, FRIGE's Institute of Human Genetics
Classification: Likely pathogenic for Anemia, nonspherocytic hemolytic, due to G6PD deficiency. Last evaluated: 2026-01-09. Review status: criteria provided, single submitter. Criteria: ACMG Guidelines, 2015. Collection method: clinical testing. Allele origin: germline. Inheritance: X-linked inheritance. Affected: yes. Observed: 1 variant allele, 1 hemizygote.
Comment: A hemizygous variant c.407G>A (p.Arg136His) in exon 5 of the G6PD gene, resulting in an amino acid substitution of arginine to histidine at codon 136. This variant has a minor allele frequency of 0.0016% in the gnomAD database. This variant has previously been reported in patients with G6PD deficiency (PMID: 332310). The insilico prediction of the variant is deleterious by MutationTaster, FATHMM and DANN. In summary, the variant meets our criteria to be classified as Likely pathogenic.

Labcorp Genetics (formerly Invitae), Labcorp
Classification: Likely pathogenic for Anemia, nonspherocytic hemolytic, due to G6PD deficiency. Last evaluated: 2025-11-18. Review status: criteria provided, single submitter. Criteria: Invitae Variant Classification Sherloc (09022015). Collection method: clinical testing. Allele origin: germline.
Comment: This sequence change replaces arginine, which is basic and polar, with histidine, which is basic and polar, at codon 136 of the G6PD protein (p.Arg136His). This variant is present in population databases (rs782205676, gnomAD 0.01%). This missense change has been observed in individual(s) with clinical features of G6PD deficiency (PMID: 36212142). This variant is also known as c.497G>A p.Arg166His. ClinVar contains an entry for this variant (Variation ID: 3007203). Invitae Evidence Modeling of protein sequence and biophysical properties (such as structural, functional, and spatial information, amino acid conservation, physicochemical variation, residue mobility, and thermodynamic stability) indicates that this missense variant is expected to disrupt G6PD protein function with a positive predictive value of 95%. Experimental studies are conflicting or provide insufficient evidence to determine the effect of this variant on G6PD function (PMID: 33536406). This variant disrupts the p.Arg136 amino acid residue in G6PD. Other variant(s) that disrupt this residue have been determined to be pathogenic (PMID: 9332310, 18046504, 22164279, 30045279). This suggests that this residue is clinically significant, and that variants that disrupt this residue are likely to be disease-causing. In summary, the currently available evidence indicates that the variant is pathogenic, but additional data are needed to prove that conclusively. Therefore, this variant has been classified as Likely Pathogenic.

Fulgent Genetics
Classification: Pathogenic for Anemia, nonspherocytic hemolytic, due to G6PD deficiency; Malaria, susceptibility to. Last evaluated: 2024-03-11. Review status: criteria provided, single submitter. Criteria: ACMG Guidelines, 2015. Collection method: clinical testing. Allele origin: germline.

Victorian Clinical Genetics Services, Murdoch Childrens Research Institute
Classification: Uncertain significance for Anemia, nonspherocytic hemolytic, due to G6PD deficiency. Last evaluated: 2023-07-17. Review status: criteria provided, single submitter. Criteria: ACMG Guidelines, 2015. Collection method: clinical testing. Allele origin: germline. Inheritance: X-linked recessive inheritance.
Comment: Based on the classification scheme VCGS_Germline_v1.3.4, this variant is classified as VUS-3A. Following criteria are met: 0102 - Loss of function is a known mechanism of disease in this gene and is associated with G6PD deficient hemolytic anemia (favism) (MIM#300908). (I) 0109 - This gene is associated with X-linked recessive disease. Hemizygous males and homozygous females are commonly affected; however, some heterozygous female carriers can also be affected depending on X-inactivation. (I) 0200 - Variant is predicted to result in a missense amino acid change from arginine to histidine. (I) 0253 - This variant is hemizygous. (I) 0304 - Variant is present in gnomAD (v2) <0.01 for a recessive condition (2 heterozygotes, 0 homozygotes, 1 hemizygote). (SP) 0309 - An alternative amino acid change at the same position has been observed in gnomAD (v2) (2 heterozygotes, 0 homozygote(s), 2 hemizygotes). (I) 0504 - Same amino acid change has been observed in placental mammals. (SB) 0600 - Variant is located in the annotated coenzyme binding domain (PMID: 36353116). (I) 0705 - No comparable missense variants have previous evidence for pathogenicity. An alternative change of greater Grantham score (p.(Arg166Cys)) has been reported many times as likely pathogenic or pathogenic, and observed in individuals with G6PD deficiency and recurrent infections, or acute haemolytic crisis (ClinVar, PMID: 36353116). (I) 0803 - This variant has limited previous evidence of pathogenicity in unrelated individuals. This variant has been observed in two hemizygous individuals with G6PD deficiency, and is otherwise known as the Naone variant (PMID: 7825590, PMID: 36212142). (SP) 1002 - This variant has moderate functional evidence supporting abnormal protein function. Biochemical assays found this variant to significantly reduced enzyme activity (PMID: 7825590, PMID: 36212142). However, additional studies did not find this variant to have a significant affect (PMID: 33536406). (I) Legend: (SP) - Supporting pathogenic, (I) - Information, (SB) - Supporting benign

Literature cited by the submitters: PubMed 36212142 (cited by Labcorp Genetics (formerly Invitae), Labcorp and Victorian Clinical Genetics Services, Murdoch Childrens Research Institute); PubMed 33536406 (cited by Labcorp Genetics (formerly Invitae), Labcorp and Victorian Clinical Genetics Services, Murdoch Childrens Research Institute); PubMed 9332310 (cited by Labcorp Genetics (formerly Invitae), Labcorp); PubMed 18046504 (cited by Labcorp Genetics (formerly Invitae), Labcorp); PubMed 22164279 (cited by Labcorp Genetics (formerly Invitae), Labcorp); PubMed 30045279 (cited by Labcorp Genetics (formerly Invitae), Labcorp); PubMed 7825590 (cited by Victorian Clinical Genetics Services, Murdoch Childrens Research Institute); PubMed 36353116 (cited by Victorian Clinical Genetics Services, Murdoch Childrens Research Institute).

NM_001360016.2(G6PD):c.407G>A (p.Arg136His)

Gene: G6PD (glucose-6-phosphate dehydrogenase; minus strand). Cytogenetic location: Xq28.
Variant type: single nucleotide variant.
Coding change: c.407G>A on transcript NM_001360016.2 (MANE Select); coding-DNA position 407, G replaced by A.
Protein change: p.Arg136His; replaces arginine 136 with histidine.
Molecular consequence: missense variant.
Genome position (GRCh38, 1-based): chrX:154,535,246, C>T on the plus strand (G>A on the coding strand, the complement: G6PD is on the minus strand). VCF-style: chrX-154535246-C-T. GRCh37 (hg19) VCF-style: chrX-153763461-C-T.
Other names: p.Arg136His; c.497G>A, p.Arg166His (NM_000402.4); c.407G>A, p.Arg136His (NM_001042351.3); short protein forms R136H, R166H.
Identifiers: ClinVar variation 3007203 (VCV003007203.6), dbSNP rs782205676, ClinGen allele CA10566249.
Genomic context (GRCh38, chrX:154,535,246, plus strand): 5'-TCGTGAATGTTCTTGGTGACGGCCTCGTAGACGGTCGGGGGCAAGGCCAGGTAGAAGAGG[C>T]GGTTGGCCTGTGACCCCAGGTGGAGGGCATTCATGTGGCTGTTGAGGCGCTGGTAGGAGG-3'
Protein context (NP_001346945.1, residues 126-146): NALHLGSQAN[Arg136His]LFYLALPPTV